The following is an entry in ClinVar:

ClinVar aggregate classification (germline): Conflicting classifications of pathogenicity. Review status: criteria provided, conflicting classifications (1 of 4 stars). 2 submissions from 2 submitters: Likely pathogenic (1); Uncertain significance (1). Last evaluated 2025-03-27.

Conditions:
Alstrom syndrome (ALMS). Identifiers: Orphanet 64, MedGen C0268425, MONDO:0008763, OMIM 203800.
Cardiovascular phenotype. Identifiers: MedGen CN230736.

Allele frequency attached by ClinVar (database versions not stated): gnomAD exomes below 0.00001.
gnomAD v4.1: 2 of 1,614,138 alleles (0.00012%); highest among the groups gnomAD compares: South Asian, 0.0011%; no homozygotes.

Submissions (2):

Ambry Genetics
Classification: Uncertain significance for Cardiovascular phenotype. Last evaluated: 2025-03-27. Review status: criteria provided, single submitter. Criteria: Ambry Variant Classification Scheme 2023. Collection method: clinical testing. Allele origin: germline.
Comment: The c.10082-2A>G intronic variant results from an A to G substitution two nucleotides before coding exon 14 in the ALMS1 gene. Alterations that disrupt the canonical splice site are expected to result in aberrant splicing. In silico splice site analysis predicts that this alteration will weaken the native splice acceptor site and will result in the creation or strengthening of a novel splice acceptor site. The resulting transcript is predicted to be in-frame and is not expected to trigger nonsense-mediated mRNAdecay; although, direct evidence is unavailable. This nucleotide position is highly conserved in available vertebrate species. Based on the available evidence, the clinical significance of this variant remains unclear.

Labcorp Genetics (formerly Invitae), Labcorp
Classification: Likely pathogenic for Alstrom syndrome. Last evaluated: 2023-04-25. Review status: criteria provided, single submitter. Criteria: Invitae Variant Classification Sherloc (09022015). Collection method: clinical testing. Allele origin: germline.
Comment: This sequence change affects an acceptor splice site in intron 13 of the ALMS1 gene. It is expected to disrupt RNA splicing. Variants that disrupt the donor or acceptor splice site typically lead to a loss of protein function (PMID: 16199547), and loss-of-function variants in ALMS1 are known to be pathogenic (PMID: 17594715). This variant is not present in population databases (gnomAD no frequency). This variant has not been reported in the literature in individuals affected with ALMS1-related conditions. ClinVar contains an entry for this variant (Variation ID: 1993561). In summary, the currently available evidence indicates that the variant is pathogenic, but additional data are needed to prove that conclusively. Therefore, this variant has been classified as Likely Pathogenic. Algorithms developed to predict the effect of sequence changes on RNA splicing suggest that this variant may disrupt the consensus splice site.

Literature cited by the submitters: PubMed 16199547 (cited by Labcorp Genetics (formerly Invitae), Labcorp); PubMed 17594715 (cited by Labcorp Genetics (formerly Invitae), Labcorp).

NM_001378454.1(ALMS1):c.10079-2A>G

Gene: ALMS1 (ALMS1 centrosome and basal body associated protein; plus strand). Cytogenetic location: 2p13.1.
Variant type: single nucleotide variant.
Coding change: c.10079-2A>G on transcript NM_001378454.1 (MANE Select); the canonical splice acceptor site of the intron before coding-DNA position 10079, A replaced by G.
Molecular consequence: splice acceptor variant.
Genome position (GRCh38, 1-based): chr2:73,557,218, A>G. VCF-style: chr2-73557218-A-G. GRCh37 (hg19) VCF-style: chr2-73784345-A-G.
Other names: c.10079-2A>G (NM_015120.4); c.10082-2A>G (NM_015120.4).
Identifiers: ClinVar variation 1993561 (VCV001993561.5), dbSNP rs2466402472, ClinGen allele CA347276064.